The following is an entry in ClinVar:

ClinVar aggregate classification (germline): Uncertain significance (1 of 4 stars; one submission).

Conditions:
TUB-related disorder. Also called: TUB-related condition.

gnomAD v4.1: 1 of 1,613,902 alleles (0.000062%); highest among the groups gnomAD compares: African/African-American, 0.0013%; no homozygotes.

Submission:

PreventionGenetics, part of Exact Sciences
Classification: Uncertain significance for TUB-related condition. Last evaluated: 2025-10-03. Review status: criteria provided, single submitter. Criteria: ACMG Guidelines, 2015. Collection method: clinical testing. Allele origin: germline.
Comment: The TUB c.1367T>C variant is predicted to result in the amino acid substitution p.Ile456Thr. To our knowledge, this variant has not been reported in the literature. This variant is reported in 0.0062% of alleles in individuals of African descent in gnomAD. At this time, the clinical significance of this variant is uncertain due to the absence of conclusive functional and genetic evidence.

NM_177972.3(TUB):c.1202T>C (p.Ile401Thr)

Genes: RIC3 (RIC3 acetylcholine receptor chaperone; minus strand), TUB (TUB bipartite transcription factor; plus strand). Cytogenetic location: 11p15.4.
Variant type: single nucleotide variant.
Coding change: c.1202T>C on transcript NM_177972.3 (MANE Select); coding-DNA position 1202, T replaced by C.
Protein change: p.Ile401Thr; replaces isoleucine 401 with threonine.
Molecular consequence: missense variant.
Genome position (GRCh38, 1-based): chr11:8,100,588, T>C. VCF-style: chr11-8100588-T-C. GRCh37 (hg19) VCF-style: chr11-8122135-T-C.
Other names: c.1220T>C, p.Ile407Thr (NM_001440538.1, NM_001440539.1); c.1052T>C, p.Ile351Thr (NM_001440540.1, NM_001440542.1); c.1034T>C, p.Ile345Thr (NM_001440541.1); c.1367T>C, p.Ile456Thr (NM_003320.5); short protein forms I345T, I351T, I401T, I407T, I456T.
Identifiers: ClinVar variation 4978711 (VCV004978711.1).